The following is an entry in ClinVar:

NM_013339.4(ALG6):c.1127+21T>A

Gene: ALG6 (ALG6 alpha-1,3-glucosyltransferase; plus strand). Cytogenetic location: 1p31.3.
Variant type: single nucleotide variant.
Coding change: c.1127+21T>A on transcript NM_013339.4 (MANE Select); 21 bases into the intron after coding-DNA position 1127, T replaced by A.
Molecular consequence: intron variant.
Genome position (GRCh38, 1-based): chr1:63,428,822, T>A. VCF-style: chr1-63428822-T-A. GRCh37 (hg19) VCF-style: chr1-63894493-T-A.
Identifiers: ClinVar variation 1691187 (VCV001691187.2), dbSNP rs147656204, ClinGen allele CA888381.

ClinVar aggregate classification (germline): Likely benign (1 of 4 stars; one submission).

Allele frequency attached by ClinVar (database versions not stated): 1000 Genomes Project 30x 0.00265; ESP Exome Variant Server 0.00286; 1000 Genomes Project 0.00260.
gnomAD v4.1: 601 of 1,593,070 alleles (0.038%); highest among the groups gnomAD compares: African/African-American, 0.76%; 4 homozygotes.

Submission:

GeneDx
Classification: Likely benign. Last evaluated: 2021-12-01. Review status: criteria provided, single submitter. Criteria: GeneDx Variant Classification Process June 2021. Collection method: clinical testing. Allele origin: germline. Affected: yes.
Comment: See Variant Classification Assertion Criteria.